The following is an entry in ClinVar:

ClinVar aggregate classification (germline): Likely benign. Review status: criteria provided, multiple submitters, no conflicts (2 of 4 stars). 2 submissions from 2 submitters: Likely benign (2). Last evaluated 2026-01-29.

Conditions:
HADHB-related disorder. Also called: HADHB-related condition.
Mitochondrial trifunctional protein deficiency. Identifiers: Orphanet 746, MedGen C1969443, MONDO:0012172.

Allele frequency attached by ClinVar (database versions not stated): gnomAD exomes below 0.00001; TOPMed below 0.00001; gnomAD 0.00001.
gnomAD v4.1: 2 of 1,613,654 alleles (0.00012%); highest among the groups gnomAD compares: Non-Finnish European, 0.00017%; no homozygotes.

Submissions (2):

PreventionGenetics, part of Exact Sciences
Classification: Likely benign for HADHB-related condition. Last evaluated: 2026-01-29. Review status: criteria provided, single submitter. Criteria: ACMG Guidelines, 2015. Collection method: clinical testing. Allele origin: germline.
Comment: This variant is classified as likely benign based on ACMG/AMP sequence variant interpretation guidelines (Richards et al. 2015 PMID: 25741868, with internal and published modifications).

Labcorp Genetics (formerly Invitae), Labcorp
Classification: Likely benign for Mitochondrial trifunctional protein deficiency. Last evaluated: 2025-11-15. Review status: criteria provided, single submitter. Criteria: Invitae Variant Classification Sherloc (09022015). Collection method: clinical testing. Allele origin: germline.

NM_000183.3(HADHB):c.1269T>C (p.Ser423=)

Gene: HADHB (hydroxyacyl-CoA dehydrogenase trifunctional multienzyme complex subunit beta; plus strand). Cytogenetic location: 2p23.3.
Variant type: single nucleotide variant.
Coding change: c.1269T>C on transcript NM_000183.3 (MANE Select); coding-DNA position 1269, T replaced by C.
Protein change: p.Ser423=; no amino-acid change (serine 423 retained).
Molecular consequence: synonymous variant.
Genome position (GRCh38, 1-based): chr2:26,285,451, T>C. VCF-style: chr2-26285451-T-C. GRCh37 (hg19) VCF-style: chr2-26508319-T-C.
Other names: c.1224T>C, p.Ser408= (NM_001281512.2); c.1203T>C, p.Ser401= (NM_001281513.2); c.1269T>C (NM_000183.2).
Identifiers: ClinVar variation 1936336 (VCV001936336.6), dbSNP rs1452714973, ClinGen allele CA425202031.
Genomic context (GRCh38, chr2:26,285,451, plus strand): 5'-TCTTTGGGGGAGCCAGGTTGGATTGCCTCCTTTGGAGAAGTTTAATAACTGGGGTGGATC[T>C]CTGTCCCTGGGACACCCATTTGGAGCCACTGGCTGCAGGTTGGTCATGGCTGCTGCCAAC-3'
Protein context (NP_000174.1, residues 413-433): PLEKFNNWGG[Ser423=]LSLGHPFGAT